The following is an entry in ClinVar:

NM_000334.4(SCN4A):c.4982T>C (p.Leu1661Pro)

Genes: SCN4A (sodium voltage-gated channel alpha subunit 4; minus strand), GH-LCR (growth hormone locus control region; plus strand). Cytogenetic location: 17q23.3.
Variant type: single nucleotide variant.
Coding change: c.4982T>C on transcript NM_000334.4 (MANE Select); coding-DNA position 4982, T replaced by C.
Protein change: p.Leu1661Pro; replaces leucine 1661 with proline.
Molecular consequence: missense variant.
Genome position (GRCh38, 1-based): chr17:63,941,300, A>G on the plus strand (T>C on the coding strand, the complement: SCN4A is on the minus strand). VCF-style: chr17-63941300-A-G. GRCh37 (hg19) VCF-style: chr17-62018660-A-G.
Other names: short protein forms L1661P.
Identifiers: ClinVar variation 4086600 (VCV004086600.2).
Genomic context (GRCh38, chr17:63,941,300, plus strand): 5'-AAGAGGATGTCCAGGCAGTGGATCTTGTCCCCTGGCACCATGGGCAAGTCCAGTGTGATG[A>G]GCTTGATCTTGTTGGGCTTGGCAATCCTCAGCGGTTCCTGCAGGGTGTCCACGAAGTCTG-3'
Protein context (NP_000325.4, residues 1651-1671): LRIAKPNKIK[Leu1661Pro]ITLDLPMVPG

ClinVar aggregate classification (germline): Uncertain significance. Review status: criteria provided, multiple submitters, no conflicts (2 of 4 stars). 2 submissions from 2 submitters: Uncertain significance (2). Last evaluated 2025-04-03.

Conditions:
SCN4A-related disorder. Also called: SCN4A-related disorders.

Submissions (2):

3billion
Classification: Uncertain significance for SCN4A-related disorder. Last evaluated: 2025-04-03. Review status: criteria provided, single submitter. Criteria: ACMG Guidelines, 2015. Collection method: clinical testing. Allele origin: germline. Affected: yes.

GeneDx
Classification: Uncertain significance. Last evaluated: 2025-03-12. Review status: criteria provided, single submitter. Criteria: GeneDx Variant Classification Process June 2021. Collection method: clinical testing. Allele origin: germline. Affected: yes.
Comment: Not observed at significant frequency in large population cohorts (gnomAD); In silico analysis supports that this missense variant has a deleterious effect on protein structure/function; Has not been previously published as pathogenic or benign to our knowledge